The following is an entry in ClinVar:

ClinVar aggregate classification (germline): Likely benign (0 of 4 stars; one submission).

Conditions:
PTPRS-related disorder. Also called: PTPRS-related condition.

Allele frequency attached by ClinVar (database versions not stated): 1000 Genomes Project 30x 0.00016; 1000 Genomes Project 0.00020; ExAC 0.00023; gnomAD exomes 0.00023; ESP Exome Variant Server 0.00046; TOPMed 0.00054.
gnomAD v4.1: 431 of 1,614,006 alleles (0.027%); highest among the groups gnomAD compares: African/African-American, 0.073%; no homozygotes.

Submission:

PreventionGenetics, part of Exact Sciences
Classification: Likely benign for PTPRS-related condition. Last evaluated: 2019-06-13. Review status: no assertion criteria provided. Collection method: clinical testing. Allele origin: germline.
Comment: This variant is classified as likely benign based on ACMG/AMP sequence variant interpretation guidelines (Richards et al. 2015 PMID: 25741868, with internal and published modifications).

NM_002850.4(PTPRS):c.5751C>G (p.Thr1917=)

Gene: PTPRS (protein tyrosine phosphatase receptor type S; minus strand). Cytogenetic location: 19p13.3.
Variant type: single nucleotide variant.
Coding change: c.5751C>G on transcript NM_002850.4 (MANE Select); coding-DNA position 5751, C replaced by G.
Protein change: p.Thr1917=; no amino-acid change (threonine 1917 retained).
Molecular consequence: synonymous variant.
Genome position (GRCh38, 1-based): chr19:5,207,949, G>C on the plus strand (C>G on the coding strand, the complement: PTPRS is on the minus strand). VCF-style: chr19-5207949-G-C. GRCh37 (hg19) VCF-style: chr19-5207960-G-C.
Other names: c.5685C>G, p.Thr1895= (NM_001394011.1); c.5664C>G, p.Thr1888= (NM_001394012.1); c.5625C>G, p.Thr1875= (NM_001394013.1); c.4410C>G, p.Thr1470= (NM_130853.3); c.5637C>G, p.Thr1879= (NM_130854.3); c.4422C>G, p.Thr1474= (NM_130855.3).
Identifiers: ClinVar variation 3033274 (VCV003033274.2), dbSNP rs141597386, ClinGen allele CA9108641.